The following is an entry in ClinVar:

ClinVar aggregate classification (germline): Uncertain significance (1 of 4 stars; one submission).

Submission:

Labcorp Genetics (formerly Invitae), Labcorp
Classification: Uncertain significance. Last evaluated: 2026-01-06. Review status: criteria provided, single submitter. Criteria: Invitae Variant Classification Sherloc (09022015). Collection method: clinical testing. Allele origin: germline.
Comment: This sequence change falls in intron 2 of the MRPS7 gene. It does not directly change the encoded amino acid sequence of the MRPS7 protein. This variant is present in population databases (rs780700831, gnomAD 0.03%). This variant has not been reported in the literature in individuals affected with MRPS7-related conditions. ClinVar contains an entry for this variant (Variation ID: 3609534). Algorithms developed to predict the effect of sequence changes on RNA splicing suggest that this variant may disrupt the consensus splice site. In summary, the available evidence is currently insufficient to determine the role of this variant in disease. Therefore, it has been classified as a Variant of Uncertain Significance.

NM_015971.4(MRPS7):c.276-13T>G

Gene: MRPS7 (mitochondrial ribosomal protein S7; plus strand). Cytogenetic location: 17q25.1.
Variant type: single nucleotide variant.
Coding change: c.276-13T>G on transcript NM_015971.4 (MANE Select); 13 bases into the intron before coding-DNA position 276, T replaced by G.
Molecular consequence: intron variant.
Genome position (GRCh38, 1-based): chr17:75,262,791, T>G. VCF-style: chr17-75262791-T-G. GRCh37 (hg19) VCF-style: chr17-73258872-T-G.
Identifiers: ClinVar variation 3609534 (VCV003609534.2).